The following is an entry in ClinVar:

NM_024675.4(PALB2):c.2317A>G (p.Thr773Ala)

Gene: PALB2 (partner and localizer of BRCA2; minus strand). Cytogenetic location: 16p12.2.
Variant type: single nucleotide variant.
Coding change: c.2317A>G on transcript NM_024675.4 (MANE Select); coding-DNA position 2317, A replaced by G.
Protein change: p.Thr773Ala; replaces threonine 773 with alanine.
Molecular consequence: missense variant.
Genome position (GRCh38, 1-based): chr16:23,629,837, T>C on the plus strand (A>G on the coding strand, the complement: PALB2 is on the minus strand). VCF-style: chr16-23629837-T-C. GRCh37 (hg19) VCF-style: chr16-23641158-T-C.
Other names: short protein forms T773A.
Identifiers: ClinVar variation 628192 (VCV000628192.11), dbSNP rs1567217632, ClinGen allele CA395125164.
Genomic context (GRCh38, chr16:23,629,837, plus strand): 5'-CTGACACTTGCAGGGTGGTATGTGGTTTTGCTGGGCTGCCTGAACTGTCGAATTGTTTAG[T>C]ATCACTGGCAAGACAGACTGAGTCTTTCAAATGAGCAAGTTGGGGTGTGCAGCAAGTTCG-3'
Protein context (NP_078951.2, residues 763-783): LKDSVCLASD[Thr773Ala]KQFDSSGSPA

ClinVar aggregate classification (germline): Uncertain significance. Review status: criteria provided, multiple submitters, no conflicts (2 of 4 stars). 4 submissions from 4 submitters: Uncertain significance (4). Last evaluated 2024-01-22.

Conditions:
Hereditary cancer-predisposing syndrome. Also called: Neoplastic Syndromes, Hereditary; Tumor predisposition; Hereditary neoplastic syndrome; Hereditary Cancer Syndrome. Identifiers: Orphanet 140162, MedGen C0027672, MeSH D009386, MONDO:0015356.
Familial cancer of breast. Also called: BREAST CANCER, FAMILIAL; Hereditary breast cancer; hereditary breast carcinoma. Identifiers: Orphanet 227535, MedGen C0346153, MONDO:0016419, OMIM 114480. Disease mechanism: loss of function.

gnomAD v4.1: 2 of 1,614,208 alleles (0.00012%); highest among the groups gnomAD compares: Non-Finnish European, 0.00017%; no homozygotes.

Submissions (4):

Labcorp Genetics (formerly Invitae), Labcorp
Classification: Uncertain significance for Familial cancer of breast. Last evaluated: 2024-01-22. Review status: criteria provided, single submitter. Criteria: Invitae Variant Classification Sherloc (09022015). Collection method: clinical testing. Allele origin: germline.
Comment: This sequence change replaces threonine, which is neutral and polar, with alanine, which is neutral and non-polar, at codon 773 of the PALB2 protein (p.Thr773Ala). This variant is not present in population databases (gnomAD no frequency). This variant has not been reported in the literature in individuals affected with PALB2-related conditions. ClinVar contains an entry for this variant (Variation ID: 628192). Advanced modeling of protein sequence and biophysical properties (such as structural, functional, and spatial information, amino acid conservation, physicochemical variation, residue mobility, and thermodynamic stability) performed at Invitae indicates that this missense variant is not expected to disrupt PALB2 protein function with a negative predictive value of 80%. In summary, the available evidence is currently insufficient to determine the role of this variant in disease. Therefore, it has been classified as a Variant of Uncertain Significance.

Color Diagnostics, LLC DBA Color Health
Classification: Uncertain significance for Hereditary cancer-predisposing syndrome. Last evaluated: 2023-12-05. Review status: criteria provided, single submitter. Criteria: ACMG Guidelines, 2015. Collection method: clinical testing. Allele origin: germline.
Comment: This missense variant replaces threonine with alanine at codon 773 of the PALB2 protein. Computational prediction suggests that this variant may not impact protein structure and function (internally defined REVEL score threshold <= 0.5, PMID: 27666373). To our knowledge, functional studies have not been reported for this variant. This variant has not been reported in individuals affected with PALB2-related disorders in the literature. This variant has not been identified in the general population by the Genome Aggregation Database (gnomAD). The available evidence is insufficient to determine the role of this variant in disease conclusively. Therefore, this variant is classified as a Variant of Uncertain Significance.

GeneDx
Classification: Uncertain significance. Last evaluated: 2022-11-25. Review status: criteria provided, single submitter. Criteria: GeneDx Variant Classification Process June 2021. Collection method: clinical testing. Allele origin: germline. Affected: yes.
Comment: Not observed at significant frequency in large population cohorts (gnomAD); In silico analysis supports that this missense variant does not alter protein structure/function; Has not been previously published as pathogenic or benign to our knowledge

Ambry Genetics
Classification: Uncertain significance for Hereditary cancer-predisposing syndrome. Last evaluated: 2020-10-31. Review status: criteria provided, single submitter. Criteria: Ambry Variant Classification Scheme 2023. Collection method: clinical testing. Allele origin: germline.
Comment: The p.T773A variant (also known as c.2317A>G), located in coding exon 5 of the PALB2 gene, results from an A to G substitution at nucleotide position 2317. The threonine at codon 773 is replaced by alanine, an amino acid with similar properties. This amino acid position is poorly conserved in available vertebrate species. In addition, this alteration is predicted to be tolerated by in silico analysis. Since supporting evidence is limited at this time, the clinical significance of this alteration remains unclear.